The following is an entry in ClinVar:

ClinVar aggregate classification (germline): Uncertain significance (1 of 4 stars; one submission).

Submission:

GeneDx
Classification: Uncertain significance. Last evaluated: 2023-05-01. Review status: criteria provided, single submitter. Criteria: GeneDx Variant Classification Process June 2021. Collection method: clinical testing. Allele origin: germline. Affected: yes.
Comment: Has not been previously published as pathogenic or benign to our knowledge; Not observed at significant frequency in large population cohorts (gnomAD); In silico analysis supports that this missense variant has a deleterious effect on protein structure/function

NM_004006.3(DMD):c.4707C>G (p.Cys1569Trp)

Gene: DMD (dystrophin; minus strand). Cytogenetic location: Xp21.1.
Variant type: single nucleotide variant.
Coding change: c.4707C>G on transcript NM_004006.3 (MANE Select); coding-DNA position 4707, C replaced by G.
Protein change: p.Cys1569Trp; replaces cysteine 1569 with tryptophan.
Molecular consequence: missense variant.
Genome position (GRCh38, 1-based): chrX:32,380,648, G>C on the plus strand (C>G on the coding strand, the complement: DMD is on the minus strand). VCF-style: chrX-32380648-G-C. GRCh37 (hg19) VCF-style: chrX-32398765-G-C.
Other names: c.4683C>G, p.Cys1561Trp (NM_000109.4); c.4695C>G, p.Cys1565Trp (NM_004009.3); c.4338C>G, p.Cys1446Trp (NM_004010.3); c.684C>G, p.Cys228Trp (NM_004011.4); c.675C>G, p.Cys225Trp (NM_004012.4); short protein forms C1446W, C1561W, C1565W, C1569W, C225W, C228W.
Identifiers: ClinVar variation 3343165 (VCV003343165.1).
Genomic context (GRCh38, chrX:32,380,648, plus strand): 5'-AGCTGCCAGCCATTCTGTCAAGACATTCATTTCCTTTCGCATCTTACGGGACAATTTCAA[G>C]CATTTCTCCAACTGTTGCTTTCTTTCTGTTACCTGAAAAGAATTATAATGAAATGTAATT-3'
Protein context (NP_003997.2, residues 1559-1579): VTERKQQLEK[Cys1569Trp]LKLSRKMRKE